The following is an entry in ClinVar:

ClinVar aggregate classification (germline): Likely benign (1 of 4 stars; one submission).

Submission:

CeGaT Center for Human Genetics Tuebingen
Classification: Likely benign. Last evaluated: 2026-01-01. Review status: criteria provided, single submitter. Criteria: CeGaT Center For Human Genetics Tuebingen Variant Classification Criteria Version 2. Collection method: clinical testing. Allele origin: germline. Affected: yes. Observed: 1 variant allele.
Comment: MYRF: PM2:Supporting, BP4, BP7

NM_001127392.3(MYRF):c.2214C>T (p.Pro738=)

Gene: MYRF (myelin regulatory factor; plus strand). Cytogenetic location: 11q12.2.
Variant type: single nucleotide variant.
Coding change: c.2214C>T on transcript NM_001127392.3 (MANE Select); coding-DNA position 2214, C replaced by T.
Protein change: p.Pro738=; no amino-acid change (proline 738 retained).
Molecular consequence: synonymous variant.
Genome position (GRCh38, 1-based): chr11:61,779,537, C>T. VCF-style: chr11-61779537-C-T. GRCh37 (hg19) VCF-style: chr11-61547009-C-T.
Other names: c.2187C>T, p.Pro729= (NM_013279.4).
Identifiers: ClinVar variation 4822971 (VCV004822971.4).